The following is an entry in ClinVar:

NM_007294.4(BRCA1):c.134+8T>G

Gene: BRCA1 (BRCA1 DNA repair associated; minus strand). Cytogenetic location: 17q21.31.
Variant type: single nucleotide variant.
Coding change: c.134+8T>G on transcript NM_007294.4 (MANE Select); 8 bases into the intron after coding-DNA position 134, T replaced by G.
Molecular consequence: intron variant.
Genome position (GRCh38, 1-based): chr17:43,115,718, A>C on the plus strand (T>G on the coding strand, the complement: BRCA1 is on the minus strand). VCF-style: chr17-43115718-A-C. GRCh37 (hg19) VCF-style: chr17-41267735-A-C.
Other names: c.134+8T>G (NM_001407618.1, NM_001407603.1, NM_001408475.1 and 191 more transcripts); c.80+8299T>G (NM_001408451.1); c.-55+8299T>G (NM_001407898.1, NM_001407881.1, NM_001407902.1); c.-8+8299T>G (NM_001407932.1, NM_001408464.1, NM_001407742.1 and 23 more transcripts); c.-55+8T>G (NM_001408509.1, NM_001408508.1, NM_001408491.1 and 52 more transcripts); c.-171+8T>G (NM_001408492.1, NM_001407889.1, NM_001407900.1); c.-124+8T>G (NM_001408468.1, NM_001407842.1, NM_001407749.1 and 13 more transcripts); c.-128+8T>G (NM_001407695.1, NM_001408465.1); and 10 more.
Identifiers: ClinVar variation 868182 (VCV000868182.3), dbSNP rs2055241049, ClinGen allele CA916080989.

Conditions:
Breast-ovarian cancer, familial, susceptibility to, 1 (BROVCA1). Also called: BRCA1 Hereditary Breast and Ovarian Cancer; OVARIAN CANCER, SUSCEPTIBILITY TO. Identifiers: Orphanet 145, MedGen C2676676, MONDO:0011450, OMIM 604370. Disease mechanism: loss of function.

Allele frequency attached by ClinVar (database versions not stated): gnomAD exomes below 0.00001.
gnomAD v4.1: 1 of 1,612,902 alleles (0.000062%); highest among the groups gnomAD compares: Non-Finnish European, 0.000085%; no homozygotes.

Submission:

Brotman Baty Institute, University of Washington
No classification provided (evidence only). Condition: Breast-ovarian cancer, familial 1. Review status: no classification provided. Collection method: in vitro. Allele origin: not applicable. Functional consequence: functionally_normal.
ClinVar note: "not provided" was previously submitted as the classification for the variant. However, the classification appeared to be based only on an observation of functional data so it was converted to no classification on 2025-07-30.